The following is an entry in ClinVar:

NM_001130987.2(DYSF):c.4626+43A>G

Gene: DYSF (dysferlin; plus strand). Cytogenetic location: 2p13.2.
Variant type: single nucleotide variant.
Coding change: c.4626+43A>G on transcript NM_001130987.2 (MANE Select); 43 bases into the intron after coding-DNA position 4626, A replaced by G.
Molecular consequence: intron variant.
Genome position (GRCh38, 1-based): chr2:71,644,106, A>G. VCF-style: chr2-71644106-A-G. GRCh37 (hg19) VCF-style: chr2-71871236-A-G.
Other names: c.4602+43A>G (NM_001130979.2); c.4623+43A>G (NM_001130981.2); c.4560+43A>G (NM_001130980.2); c.4572+43A>G (NM_001130978.2); c.4509+43A>G (NM_003494.4); c.4530+43A>G (NM_001130977.2); c.4467+43A>G (NM_001130976.2); c.4605+43A>G (NM_001130982.2); and 5 more.
Identifiers: ClinVar variation 259080 (VCV000259080.7), dbSNP rs84182, ClinGen allele CA1707077.

ClinVar aggregate classification (germline): Benign. Review status: criteria provided, multiple submitters, no conflicts (2 of 4 stars). 6 submissions from 4 submitters: Benign (6). Last evaluated 2021-07-30.

Conditions:
Distal myopathy with anterior tibial onset. Identifiers: Orphanet 178400, MedGen C1847532, MONDO:0011721, OMIM 606768.
Miyoshi muscular dystrophy 1 (MMD1). Identifiers: Orphanet 45448, MedGen C4551973, MONDO:0024545, OMIM 254130.
Autosomal recessive limb-girdle muscular dystrophy type 2B (LGMDR2). Also called: MUSCULAR DYSTROPHY, LIMB-GIRDLE, TYPE 3; Limb-girdle muscular dystrophy, type 2B; Limb-Girdle Muscular Dystrophy Type 2B (LGMD2B); MUSCULAR DYSTROPHY, LIMB-GIRDLE, AUTOSOMAL RECESSIVE 2. Identifiers: Orphanet 268, MedGen C1850889, MONDO:0009676, OMIM 253601.

Allele frequency attached by ClinVar (database versions not stated): 1000 Genomes Project 30x 0.83932; gnomAD 0.86750 and 0.87024; gnomAD exomes 0.84514 and 0.87122; ExAC 0.85937; ESP Exome Variant Server 0.88967; TOPMed 0.86227; 1000 Genomes Project 0.83826.
gnomAD v4.1: 1,307,576 of 1,501,960 alleles (87%); highest among the groups gnomAD compares: Middle Eastern, 91%; 570,309 homozygotes.

Submissions (6):

Genome-Nilou Lab
Classification: Benign for Autosomal recessive limb-girdle muscular dystrophy type 2B. Last evaluated: 2021-07-30. Review status: criteria provided, single submitter. Criteria: ACMG Guidelines, 2015. Collection method: clinical testing. Allele origin: germline. Affected: no.

Genome-Nilou Lab
Classification: Benign for Distal myopathy with anterior tibial onset. Last evaluated: 2021-07-30. Review status: criteria provided, single submitter. Criteria: ACMG Guidelines, 2015. Collection method: clinical testing. Allele origin: germline. Affected: no.

Genome-Nilou Lab
Classification: Benign for Miyoshi muscular dystrophy 1. Last evaluated: 2021-06-10. Review status: criteria provided, single submitter. Criteria: ACMG Guidelines, 2015. Collection method: clinical testing. Allele origin: germline. Affected: no.

GeneDx
Classification: Benign. Last evaluated: 2018-06-14. Review status: criteria provided, single submitter. Criteria: GeneDx Variant Classification (06012015). Collection method: clinical testing. Allele origin: germline. Affected: yes.
Comment: This variant is considered likely benign or benign based on one or more of the following criteria: it is a conservative change, it occurs at a poorly conserved position in the protein, it is predicted to be benign by multiple in silico algorithms, and/or has population frequency not consistent with disease.

Breakthrough Genomics
Classification: Benign. Review status: criteria provided, single submitter. Criteria: ACMG Guidelines, 2015. Collection method: not provided. Allele origin: germline. Inheritance: Autosomal recessive inheritance. Affected: yes.

PreventionGenetics, part of Exact Sciences
Classification: Benign. Review status: criteria provided, single submitter. Criteria: ACMG Guidelines, 2015. Collection method: clinical testing. Allele origin: germline.